The following is an entry in ClinVar:

ClinVar aggregate classification (germline): Benign/Likely benign. Review status: criteria provided, multiple submitters, no conflicts (2 of 4 stars). 5 submissions from 5 submitters: Benign (3); Likely benign (2). Last evaluated 2026-01-01.

Conditions:
Long QT syndrome (LQTS). Identifiers: MedGen C0023976, MeSH D008133, MONDO:0002442. Disease mechanism: loss of function. Inheritance: Various modes of inheritance.
Cardiac arrhythmia, ankyrin-B-related. Also called: ANKYRIN-B SYNDROME. Identifiers: Orphanet 101016, Orphanet 768, MedGen C1970119, MONDO:0010958, OMIM 600919.

Allele frequency attached by ClinVar (database versions not stated): ESP Exome Variant Server 0.00023; ExAC 0.00028; gnomAD 0.00034 and 0.00035; 1000 Genomes Project 0.00040; TOPMed 0.00040; 1000 Genomes Project 30x 0.00078.
gnomAD v4.1: 514 of 1,613,706 alleles (0.032%); highest among the groups gnomAD compares: Middle Eastern, 0.05%; 1 homozygote.

Submissions (5):

Labcorp Genetics (formerly Invitae), Labcorp
Classification: Likely benign for Long QT syndrome. Last evaluated: 2026-01-01. Review status: criteria provided, single submitter. Criteria: Invitae Variant Classification Sherloc (09022015). Collection method: clinical testing. Allele origin: germline.

Blueprint Genetics
Classification: Likely benign. Last evaluated: 2024-09-12. Review status: criteria provided, single submitter. Criteria: ACMG Guidelines, 2015. Collection method: clinical testing. Allele origin: germline.

Women's Health and Genetics/Laboratory Corporation of America, LabCorp
Classification: Benign. Last evaluated: 2024-06-17. Review status: criteria provided, single submitter. Criteria: LabCorp Variant Classification Summary - May 2015. Collection method: clinical testing. Allele origin: germline.

Genome-Nilou Lab
Classification: Benign for Cardiac arrhythmia, ankyrin-B-related. Last evaluated: 2021-12-05. Review status: criteria provided, single submitter. Criteria: ACMG Guidelines, 2015. Collection method: clinical testing. Allele origin: germline. Affected: no.

GeneDx
Classification: Benign. Last evaluated: 2014-01-02. Review status: criteria provided, single submitter. Criteria: GeneDx Variant Classification (06012015). Collection method: clinical testing. Allele origin: germline. Affected: yes.
Comment: This variant is considered likely benign or benign based on one or more of the following criteria: it is a conservative change, it occurs at a poorly conserved position in the protein, it is predicted to be benign by multiple in silico algorithms, and/or has population frequency not consistent with disease.

NM_001148.6(ANK2):c.4123-19T>G

Gene: ANK2 (ankyrin 2; plus strand). Cytogenetic location: 4q26.
Variant type: single nucleotide variant.
Coding change: c.4123-19T>G on transcript NM_001148.6 (MANE Select); 19 bases into the intron before coding-DNA position 4123, T replaced by G.
Molecular consequence: intron variant.
Genome position (GRCh38, 1-based): chr4:113,342,998, T>G. VCF-style: chr4-113342998-T-G. GRCh37 (hg19) VCF-style: chr4-114264154-T-G.
Other names: c.4108-19T>G (NM_001386186.2, NM_001386148.2); c.3910-19T>G (NM_001354269.3); c.3988-19T>G (NM_001386187.2); c.3982-19T>G (NM_001386147.1, NM_001354261.2); c.3967-19T>G (NM_001386160.1); c.4072-19T>G (NM_001354254.2); c.4093-19T>G (NM_001354239.2, NM_001354252.2); c.3994-19T>G (NM_001354272.2); and 31 more.
Identifiers: ClinVar variation 136393 (VCV000136393.12), dbSNP rs199938838, ClinGen allele CA289461.